The following is an entry in ClinVar:

NM_005912.3(MC4R):c.522G>C (p.Trp174Cys)

Gene: MC4R (melanocortin 4 receptor; minus strand). Cytogenetic location: 18q21.32.
Variant type: single nucleotide variant.
Coding change: c.522G>C on transcript NM_005912.3 (MANE Select); coding-DNA position 522, G replaced by C.
Protein change: p.Trp174Cys; replaces tryptophan 174 with cysteine.
Molecular consequence: missense variant.
Genome position (GRCh38, 1-based): chr18:60,371,828, C>G on the plus strand (G>C on the coding strand, the complement: MC4R is on the minus strand). VCF-style: chr18-60371828-C-G. GRCh37 (hg19) VCF-style: chr18-58039061-C-G.
Other names: short protein forms W174C.
Identifiers: ClinVar variation 4984947 (VCV004984947.1).

ClinVar aggregate classification (germline): Likely pathogenic (1 of 4 stars; one submission).

Conditions:
MC4R-related disorder. Also called: MC4R-related condition.

Submission:

PreventionGenetics, part of Exact Sciences
Classification: Likely pathogenic for MC4R-related condition. Last evaluated: 2026-07-20. Review status: criteria provided, single submitter. Criteria: ACMG Guidelines, 2015. Collection method: clinical testing. Allele origin: germline.
Comment: The MC4R c.522G>C variant is predicted to result in the amino acid substitution p.Trp174Cys. This variant has been reported in the heterozygous state in an individual with severe obesity (Buono et al. 2005. PubMed ID: 15951321). Several independent functional studies have shown that the p.Trp174Cys substitution causes the protein to be retained in the endoplasmic reticulum, resulting in a lack of cell surface expression and protein activity (Fan and Tao. 2009. PubMed ID: 19298524; Alfieri et al. 2010. PubMed ID: 20214954; Xiang et al. 2010. PubMed ID: 20462274). This variant is reported in 0.011% of alleles in individuals of African descent in gnomAD. Given the evidence, we interpret c.522G>C (p.Trp174Cys) as likely pathogenic.